The following is an entry in ClinVar:

NM_014000.3(VCL):c.622+18T>C

Gene: VCL (vinculin; plus strand). Cytogenetic location: 10q22.2.
Variant type: single nucleotide variant.
Coding change: c.622+18T>C on transcript NM_014000.3 (MANE Select); 18 bases into the intron after coding-DNA position 622, T replaced by C.
Molecular consequence: intron variant.
Genome position (GRCh38, 1-based): chr10:74,072,870, T>C. VCF-style: chr10-74072870-T-C. GRCh37 (hg19) VCF-style: chr10-75832628-T-C.
Other names: c.622+18T>C (NM_003373.4).
Identifiers: ClinVar variation 517897 (VCV000517897.8), dbSNP rs1218431325, ClinGen allele CA658797442.
Genomic context (GRCh38, chr10:74,072,870, plus strand): 5'-TCGATGAACACCGTGAAAGAGTTGCTGCCAGTTCTCATTTCAGGTACTTCCTGCCTGTAC[T>C]TTATTTTATAGGGGGGAAAAATGTTAGCATGTTCTAAACTCTGAGGTTCATTTTGTTTTC-3'

ClinVar aggregate classification (germline): Likely benign. Review status: criteria provided, multiple submitters, no conflicts (2 of 4 stars). 2 submissions from 2 submitters: Likely benign (2). Last evaluated 2025-08-17.

Conditions:
Dilated cardiomyopathy 1W (CMD1W). Identifiers: Orphanet 154, MedGen C1969639, MONDO:0012667, OMIM 611407.

Allele frequency attached by ClinVar (database versions not stated): TOPMed below 0.00001; gnomAD 0.00001.
gnomAD v4.1: 3 of 1,613,942 alleles (0.00019%); highest among the groups gnomAD compares: Admixed American, 0.0017%; no homozygotes.

Submissions (2):

Labcorp Genetics (formerly Invitae), Labcorp
Classification: Likely benign for Dilated cardiomyopathy 1W. Last evaluated: 2025-08-17. Review status: criteria provided, single submitter. Criteria: Invitae Variant Classification Sherloc (09022015). Collection method: clinical testing. Allele origin: germline.

GeneDx
Classification: Likely benign. Last evaluated: 2017-05-25. Review status: criteria provided, single submitter. Criteria: GeneDx Variant Classification (06012015). Collection method: clinical testing. Allele origin: germline. Affected: yes.
Comment: This variant is considered likely benign or benign based on one or more of the following criteria: it is a conservative change, it occurs at a poorly conserved position in the protein, it is predicted to be benign by multiple in silico algorithms, and/or has population frequency not consistent with disease.